The following is an entry in ClinVar:

ClinVar aggregate classification (germline): Pathogenic (1 of 4 stars; one submission).

Conditions:
Charcot-Marie-Tooth Neuropathy X. Identifiers: MedGen CN118851.

Submission:

Labcorp Genetics (formerly Invitae), Labcorp
Classification: Pathogenic for Charcot-Marie-Tooth Neuropathy X. Last evaluated: 2021-07-02. Review status: criteria provided, single submitter. Criteria: Invitae Variant Classification Sherloc (09022015). Collection method: clinical testing. Allele origin: germline.
Comment: This variant disrupts a region of the GJB1 protein in which other variant(s) (p.Arg220*) have been determined to be pathogenic (PMID: 8162049, 9364054). This suggests that this is a clinically significant region of the protein, and that variants that disrupt it are likely to be disease-causing. This variant has not been reported in the literature in individuals affected with GJB1-related conditions. This variant is not present in population databases (ExAC no frequency). This sequence change creates a premature translational stop signal (p.Leu106Alafs*2) in the GJB1 gene. While this is not anticipated to result in nonsense mediated decay, it is expected to disrupt the last 178 amino acid(s) of the GJB1 protein. For these reasons, this variant has been classified as Pathogenic.

Literature cited by the submitters: PubMed 8162049; PubMed 9364054.

NM_000166.6(GJB1):c.316_320del (p.Leu106fs)

Gene: GJB1 (gap junction protein beta 1; plus strand). Cytogenetic location: Xq13.1.
Variant type: Deletion.
Coding change: c.316_320del on transcript NM_000166.6 (MANE Select); coding-DNA positions 316 to 320, 5 bases deleted (CTACG; older notation c.316_320delCTACG).
Protein change: p.Leu106fs; shifts the reading frame from leucine 106.
Molecular consequence: frameshift variant.
Genome position (GRCh38, 1-based): chrX:71,224,023-71,224,027, CTACG deleted; deleting any 5 consecutive bases within chrX:71,224,022-71,224,027 gives the same sequence; the c. name uses the placement nearest the transcript's 3' end. VCF-style (leftmost placement, unchanged base first): chrX-71224021-TGCTAC-T. GRCh37 (hg19) VCF-style: chrX-70443871-TGCTAC-T.
Other names: c.316_320del, p.Leu106fs (NM_001097642.3); short protein forms L106fs.
Identifiers: ClinVar variation 1447483 (VCV001447483.6), dbSNP rs2147945853, ClinGen allele CA2573159492.